The following is an entry in ClinVar:

NM_001252024.2(TRPM1):c.4832A>T (p.Glu1611Val)

Gene: TRPM1 (transient receptor potential cation channel subfamily M member 1; minus strand). Cytogenetic location: 15q13.3.
Variant type: single nucleotide variant.
Coding change: c.4832A>T on transcript NM_001252024.2 (MANE Select); coding-DNA position 4832, A replaced by T.
Protein change: p.Glu1611Val; replaces glutamic acid 1611 with valine.
Molecular consequence: missense variant.
Genome position (GRCh38, 1-based): chr15:31,001,868, T>A on the plus strand (A>T on the coding strand, the complement: TRPM1 is on the minus strand). VCF-style: chr15-31001868-T-A. GRCh37 (hg19) VCF-style: chr15-31294071-T-A.
Other names: c.4883A>T, p.Glu1628Val (NM_001252020.2); c.4766A>T, p.Glu1589Val (NM_002420.6); short protein forms E1589V, E1611V, E1628V.
Identifiers: ClinVar variation 1360563 (VCV001360563.8), dbSNP rs2031775195, ClinGen allele CA391520730.

ClinVar aggregate classification (germline): Uncertain significance (1 of 4 stars; one submission).

Allele frequency attached by ClinVar (database versions not stated): TOPMed 0.00002.
gnomAD v4.1: 3 of 1,613,774 alleles (0.00019%); highest among the groups gnomAD compares: Non-Finnish European, 0.00017%; no homozygotes.

Submission:

Labcorp Genetics (formerly Invitae), Labcorp
Classification: Uncertain significance. Last evaluated: 2021-09-24. Review status: criteria provided, single submitter. Criteria: Invitae Variant Classification Sherloc (09022015). Collection method: clinical testing. Allele origin: germline.
Comment: In summary, the available evidence is currently insufficient to determine the role of this variant in disease. Therefore, it has been classified as a Variant of Uncertain Significance. Algorithms developed to predict the effect of sequence changes on RNA splicing suggest that this variant may create or strengthen a splice site, but this prediction has not been confirmed by published transcriptional studies. Algorithms developed to predict the effect of missense changes on protein structure and function are either unavailable or do not agree on the potential impact of this missense change (SIFT: "Tolerated"; PolyPhen-2: "Not Available"; Align-GVGD: "Class C0"). This variant has not been reported in the literature in individuals with TRPM1-related conditions. This variant is not present in population databases (ExAC no frequency). This sequence change replaces glutamic acid with valine at codon 1589 of the TRPM1 protein (p.Glu1589Val). The glutamic acid residue is weakly conserved and there is a moderate physicochemical difference between glutamic acid and valine.